The following is an entry in ClinVar:

ClinVar aggregate classification (germline): Conflicting classifications of pathogenicity. Review status: criteria provided, conflicting classifications (1 of 4 stars). 6 submissions from 6 submitters: Pathogenic (1); Uncertain significance (5). Last evaluated 2026-06-03.

Conditions:
Cardiovascular phenotype. Identifiers: MedGen CN230736.
Cardiomyopathy (CMYO). Also called: Cardiomyopathies. Identifiers: Orphanet 167848, MedGen C0878544, MONDO:0004994, HP:0001638. Inheritance: Various modes of inheritance.
Hypertrophic cardiomyopathy. Also called: HYPERTROPHIC MYOCARDIOPATHY. Identifiers: Orphanet 217569, MedGen C0007194, MeSH D002312, MONDO:0005045, HP:0001639.

Allele frequency attached by ClinVar (database versions not stated): gnomAD exomes below 0.00001; TOPMed below 0.00001; ExAC 0.00001.
gnomAD v4.1: 2 of 1,614,166 alleles (0.00012%); highest among the groups gnomAD compares: South Asian, 0.0011%; no homozygotes.

Submissions (6):

Ambry Genetics
Classification: Uncertain significance for Cardiovascular phenotype. Last evaluated: 2026-06-03. Review status: criteria provided, single submitter. Criteria: Ambry Variant Classification Scheme 2023. Collection method: clinical testing. Allele origin: germline.
Comment: The p.I530V variant (also known as c.1588A>G), located in coding exon 14 of the MYH7 gene, results from an A to G substitution at nucleotide position 1588. The isoleucine at codon 530 is replaced by valine, an amino acid with highly similar properties. This alteration was reported in one individual from a hypertrophic cardiomyopathy (HCM) patient cohort, but clinical details were limited (Murphy SL et al. J Cardiovasc Transl Res 2016;9:153-61). It was also reported in an apparently de novo case in which a patient with characteristics of HCM and athlete's heart exhibited regression of clinical presentation following the cessation of rigorous athletic training (Kebed KY et al. Circ Cardiovasc Imaging, 2015;8:e003312); it is unclear whether this patient was included in the Murphy SL et al. 2016 study. This alteration is located in the myosin head domain, which contains a statistically significant clustering of pathogenic missense variants (Homburger JR et al. Proc Natl Acad Sci U S A, 2016 06;113:6701-6; Walsh R et al. Genet Med, 2017 02;19:192-203; Ambry internal data). This amino acid position is highly conserved in available vertebrate species. In addition, this alteration is predicted to be deleterious by in silico analysis. Since supporting evidence is limited at this time, the clinical significance of this variant remains unclear.

Labcorp Genetics (formerly Invitae), Labcorp
Classification: Pathogenic for Hypertrophic cardiomyopathy. Last evaluated: 2025-03-11. Review status: criteria provided, single submitter. Criteria: Invitae Variant Classification Sherloc (09022015). Collection method: clinical testing. Allele origin: germline.
Comment: This sequence change replaces isoleucine, which is neutral and non-polar, with valine, which is neutral and non-polar, at codon 530 of the MYH7 protein (p.Ile530Val). This variant is present in population databases (rs771831848, gnomAD 0.003%). This missense change has been observed in individual(s) with hypertrophic cardiomyopathy (PMID: 26162782). In at least one individual the variant was observed to be de novo. ClinVar contains an entry for this variant (Variation ID: 520309). Invitae Evidence Modeling of protein sequence and biophysical properties (such as structural, functional, and spatial information, amino acid conservation, physicochemical variation, residue mobility, and thermodynamic stability) indicates that this missense variant is expected to disrupt MYH7 protein function with a positive predictive value of 95%. For these reasons, this variant has been classified as Pathogenic.

Color Diagnostics, LLC DBA Color Health
Classification: Uncertain significance for Cardiomyopathy. Last evaluated: 2024-12-10. Review status: criteria provided, single submitter. Criteria: ACMG Guidelines, 2015. Collection method: clinical testing. Allele origin: germline.
Comment: This missense variant replaces isoleucine with valine at codon 530 of the MYH7 protein. This variant is found within a highly conserved region of the myosin head domain. Missense variants in this region have been shown to be significantly overrepresented in individuals with affected with hypertrophic cardiomyopathy (PMID: 27532257). Computational prediction suggests that this variant may have a deleterious impact on protein structure and function. To our knowledge, functional studies have not been reported for this variant. This variant has been reported in individuals affected with hypertrophic cardiomyopathy (PMID: 26914223, 33495597). In one instance, this variant has been reported to occur de novo in an individual affected with features of both hypertrophic cardiomyopathy and athlete's heart (PMID: 26162782). This variant has been identified in 1/251226 chromosomes in the general population by the Genome Aggregation Database (gnomAD). Although there is a suspicion that this variant may be associated with disease, additional studies are necessary to determine the role of this variant in disease conclusively. Therefore, this variant is classified as a Variant of Uncertain Significance.

CeGaT Center for Human Genetics Tuebingen
Classification: Uncertain significance. Last evaluated: 2024-10-01. Review status: criteria provided, single submitter. Criteria: CeGaT Center For Human Genetics Tuebingen Variant Classification Criteria Version 2. Collection method: clinical testing. Allele origin: germline. Affected: yes. Observed: 1 variant allele.
Comment: MYH7: PM1, PM2, PM6:Supporting

GeneDx
Classification: Uncertain significance. Last evaluated: 2020-01-14. Review status: criteria provided, single submitter. Criteria: GeneDx Variant Classification Process June 2021. Collection method: clinical testing. Allele origin: germline. Affected: yes.
Comment: Reported in ClinVar as a variant of uncertain significance (ClinVar Variant ID# 520309; Landrum et al., 2016); Not observed at a significant frequency in large population cohorts (Lek et al., 2016); In silico analysis, which includes protein predictors and evolutionary conservation, supports that this variant does not alter protein structure/function; This variant is associated with the following publications: (PMID: 26914223, 27247418, 26162782)

Women's Health and Genetics/Laboratory Corporation of America, LabCorp
Classification: Uncertain significance. Last evaluated: 2017-12-04. Review status: criteria provided, single submitter. Criteria: LabCorp Variant Classification Summary - May 2015. Collection method: clinical testing. Allele origin: germline.
Comment: Variant summary: The c.1588A>G (p.Ile530Val) in MYH7 gene is a missense variant involves a highly conserved nucleotide located within theMyosin motor domain of beta (or slow) type I cardiac muscle myosin heavy chain 7. The 4/5 in silico tools predict deleterious outcome for this variant, however no functional studies supporting these predictions were published at the time of evaluation. The c.1588A>G was identified in the control population dataset of gnomAD at a low frequency of 0.000004 (1/ 246008 chrs tested). The observed frequency does not exceed the maximum expected allele frequency for a pathogenic variant of 0.001, suggesting that it is not a common polymorphism. The variant has been reported in at least two individuals with clinical findings suggestive of sarcomeric HCM (Kabed_2015; Homburger_2016), one being a de novo event. Taken together, the variant was classified as VUS-possibly pathogenic, until new information becomes available.

Literature cited by the submitters: PubMed 26162782 (cited by 4 submitters); PubMed 26914223 (cited by 3 submitters); PubMed 27247418 (cited by Ambry Genetics and Women's Health and Genetics/Laboratory Corporation of America, LabCorp); PubMed 27532257 (cited by Color Diagnostics, LLC DBA Color Health); PubMed 33495597 (cited by Color Diagnostics, LLC DBA Color Health).

NM_000257.4(MYH7):c.1588A>G (p.Ile530Val)

Gene: MYH7 (myosin heavy chain 7; minus strand). Cytogenetic location: 14q11.2.
Variant type: single nucleotide variant.
Coding change: c.1588A>G on transcript NM_000257.4 (MANE Select); coding-DNA position 1588, A replaced by G.
Protein change: p.Ile530Val; replaces isoleucine 530 with valine.
Molecular consequence: missense variant.
Genome position (GRCh38, 1-based): chr14:23,427,885, T>C on the plus strand (A>G on the coding strand, the complement: MYH7 is on the minus strand). VCF-style: chr14-23427885-T-C. GRCh37 (hg19) VCF-style: chr14-23897094-T-C.
Other names: c.1588A>G (LRG_384t1); short protein forms I530V.
Identifiers: ClinVar variation 520309 (VCV000520309.37), dbSNP rs771831848, ClinGen allele CA028909.